The following is an entry in ClinVar:

NM_000260.4(MYO7A):c.5162A>G (p.Tyr1721Cys)

Gene: MYO7A (myosin VIIA; plus strand). Cytogenetic location: 11q13.5.
Variant type: single nucleotide variant.
Coding change: c.5162A>G on transcript NM_000260.4 (MANE Select); coding-DNA position 5162, A replaced by G.
Protein change: p.Tyr1721Cys; replaces tyrosine 1721 with cysteine.
Molecular consequence: missense variant.
Genome position (GRCh38, 1-based): chr11:77,202,418, A>G. VCF-style: chr11-77202418-A-G. GRCh37 (hg19) VCF-style: chr11-76913463-A-G.
Other names: c.5048A>G, p.Tyr1683Cys (NM_001127180.2); c.5015A>G, p.Tyr1672Cys (NM_001369365.1); short protein forms Y1672C, Y1683C, Y1721C.
Identifiers: ClinVar variation 969954 (VCV000969954.5), dbSNP rs1174776498, ClinGen allele CA381951884.
Genomic context (GRCh38, chr11:77,202,418, plus strand): 5'-GAACGGCGGAGCCCGAGGTGCGTGCCAAGCCCTACACGCTGGAGGAGTTTTCCTATGACT[A>G]CTTCAGGTGATGCCTCCTGGGGAAGGATGGGAGCCACAGGGCTAGGAGCTGCAGGCTTCC-3'
Protein context (NP_000251.3, residues 1711-1731): PYTLEEFSYD[Tyr1721Cys]FRPPPKHTLS

ClinVar aggregate classification (germline): Uncertain significance. Review status: criteria provided, single submitter (1 of 4 stars). 2 submissions from 2 submitters: Uncertain significance (1). 1 of the submissions does not count toward it. Last evaluated 2022-02-03.

Conditions:
Usher syndrome type 1B (USH1B). Also called: Usher syndrome type IB. Identifiers: MedGen C1848638, MONDO:0700087.

Allele frequency attached by ClinVar (database versions not stated): gnomAD exomes below 0.00001 and 0.00001; TOPMed 0.00001; gnomAD 0.00003.
gnomAD v4.1: 8 of 1,551,160 alleles (0.00052%); highest among the groups gnomAD compares: African/African-American, 0.0055%; no homozygotes.

Submissions (2):

Labcorp Genetics (formerly Invitae), Labcorp
Classification: Uncertain significance. Last evaluated: 2022-02-03. Review status: criteria provided, single submitter. Criteria: Invitae Variant Classification Sherloc (09022015). Collection method: clinical testing. Allele origin: germline.
Comment: This sequence change replaces tyrosine, which is neutral and polar, with cysteine, which is neutral and slightly polar, at codon 1721 of the MYO7A protein (p.Tyr1721Cys). The frequency data for this variant in the population databases is considered unreliable, as metrics indicate poor data quality at this position in the gnomAD database. This variant has not been reported in the literature in individuals affected with MYO7A-related conditions. ClinVar contains an entry for this variant (Variation ID: 969954). Advanced modeling of protein sequence and biophysical properties (such as structural, functional, and spatial information, amino acid conservation, physicochemical variation, residue mobility, and thermodynamic stability) performed at Invitae indicates that this missense variant is not expected to disrupt MYO7A protein function. In summary, the available evidence is currently insufficient to determine the role of this variant in disease. Therefore, it has been classified as a Variant of Uncertain Significance.

Natera, Inc.
Classification: Uncertain significance for Usher syndrome type 1B. Last evaluated: 2020-03-20. Review status: no assertion criteria provided. Collection method: clinical testing. Allele origin: germline. Not counted in ClinVar's aggregate classification.